The following is an entry in ClinVar:

NM_173660.5(DOK7):c.457A>T (p.Lys153Ter)

Gene: DOK7 (docking protein 7; plus strand). Cytogenetic location: 4p16.3.
Variant type: single nucleotide variant.
Coding change: c.457A>T on transcript NM_173660.5 (MANE Select); coding-DNA position 457, A replaced by T.
Protein change: p.Lys153Ter; replaces lysine 153 with a stop codon.
Molecular consequence: nonsense. On other transcripts: intron variant (1).
Genome position (GRCh38, 1-based): chr4:3,476,467, A>T. VCF-style: chr4-3476467-A-T. GRCh37 (hg19) VCF-style: chr4-3478194-A-T.
Other names: c.457A>T, p.Lys153Ter (NM_001164673.2, NM_001301071.2); c.101-9072A>T (NM_001363811.2); short protein forms K153*.
Identifiers: ClinVar variation 853396 (VCV000853396.8), dbSNP rs1727096342, ClinGen allele CA356114371.

ClinVar aggregate classification (germline): Pathogenic (1 of 4 stars; one submission).

Conditions:
Fetal akinesia deformation sequence 1 (FADS1). Also called: Fetal akinesia sequence; Pena-Shokeir syndrome type I. Identifiers: Orphanet 994, MedGen C1276035, MONDO:0100101, OMIM 208150, HP:0001989.
Congenital myasthenic syndrome 10. Also called: Myasthenia, limb-girdle, familial. Identifiers: Orphanet 590, MedGen C1850792, MONDO:0009690, OMIM 254300.

Submission:

Labcorp Genetics (formerly Invitae), Labcorp
Classification: Pathogenic for Congenital myasthenic syndrome 10; Fetal akinesia deformation sequence 1. Last evaluated: 2019-11-28. Review status: criteria provided, single submitter. Criteria: Invitae Variant Classification Sherloc (09022015). Collection method: clinical testing. Allele origin: germline.
Comment: Loss-of-function variants in DOK7 are known to be pathogenic (PMID: 16917026, 18626973). For these reasons, this variant has been classified as Pathogenic. Algorithms developed to predict the effect of sequence changes on RNA splicing suggest that this variant may create or strengthen a splice site, but this prediction has not been confirmed by published transcriptional studies. This variant has not been reported in the literature in individuals with DOK7-related conditions. This variant is not present in population databases (ExAC no frequency). This sequence change creates a premature translational stop signal (p.Lys153*) in the DOK7 gene. It is expected to result in an absent or disrupted protein product.

Literature cited by the submitters: PubMed 16917026; PubMed 18626973.